The following is an entry in ClinVar:

NM_016097.5(IER3IP1):c.230T>A (p.Leu77Ter)

Gene: IER3IP1 (immediate early response 3 interacting protein 1; minus strand). Cytogenetic location: 18q21.1.
Variant type: single nucleotide variant.
Coding change: c.230T>A on transcript NM_016097.5 (MANE Select); coding-DNA position 230, T replaced by A.
Protein change: p.Leu77Ter; replaces leucine 77 with a stop codon.
Molecular consequence: nonsense.
Genome position (GRCh38, 1-based): chr18:47,156,196, A>T on the plus strand (T>A on the coding strand, the complement: IER3IP1 is on the minus strand). VCF-style: chr18-47156196-A-T. GRCh37 (hg19) VCF-style: chr18-44682567-A-T.
Other names: short protein forms L77*.
Identifiers: ClinVar variation 1363704 (VCV001363704.6), dbSNP rs2063958344, ClinGen allele CA402489657.

ClinVar aggregate classification (germline): Uncertain significance (1 of 4 stars; one submission).

Conditions:
Microcephaly, epilepsy, and diabetes syndrome. Identifiers: Orphanet 306558, MedGen C3280240, MONDO:0100328.

Allele frequency attached by ClinVar (database versions not stated): gnomAD exomes below 0.00001; TOPMed below 0.00001; gnomAD 0.00001.
gnomAD v4.1: 3 of 1,565,440 alleles (0.00019%); highest among the groups gnomAD compares: Non-Finnish European, 0.000088%; no homozygotes.

Submission:

Labcorp Genetics (formerly Invitae), Labcorp
Classification: Uncertain significance for Microcephaly, epilepsy, and diabetes syndrome. Last evaluated: 2021-06-25. Review status: criteria provided, single submitter. Criteria: Invitae Variant Classification Sherloc (09022015). Collection method: clinical testing. Allele origin: germline.
Comment: This sequence change creates a premature translational stop signal (p.Leu77*) in the IER3IP1 gene. While this is not anticipated to result in nonsense mediated decay, it is expected to disrupt the last 6 amino acid(s) of the IER3IP1 protein. This variant is not present in population databases (ExAC no frequency). This variant has not been reported in the literature in individuals affected with IER3IP1-related conditions. In summary, the available evidence is currently insufficient to determine the role of this variant in disease. Therefore, it has been classified as a Variant of Uncertain Significance.